The following is an entry in ClinVar:

NM_001728.4(BSG):c.810C>T (p.Ser270=)

Gene: BSG (basigin (Ok blood group); plus strand). Cytogenetic location: 19p13.3.
Variant type: single nucleotide variant.
Coding change: c.810C>T on transcript NM_001728.4 (MANE Select); coding-DNA position 810, C replaced by T.
Protein change: p.Ser270=; no amino-acid change (serine 270 retained).
Molecular consequence: synonymous variant.
Genome position (GRCh38, 1-based): chr19:581,332, C>T. VCF-style: chr19-581332-C-T. GRCh37 (hg19) VCF-style: chr19-581332-C-T.
Other names: c.462C>T, p.Ser154= (NM_001322243.2, NM_198589.3); c.183C>T, p.Ser61= (NM_198590.3, NM_198591.4).
Identifiers: ClinVar variation 4981217 (VCV004981217.1).

ClinVar aggregate classification (germline): Likely benign (1 of 4 stars; one submission).

Conditions:
BSG-related disorder. Also called: BSG-related condition.

gnomAD v4.1: 185 of 1,612,428 alleles (0.011%); highest among the groups gnomAD compares: East Asian, 0.33%; 1 homozygote.

Submission:

PreventionGenetics, part of Exact Sciences
Classification: Likely benign for BSG-related condition. Last evaluated: 2025-08-04. Review status: criteria provided, single submitter. Criteria: ACMG Guidelines, 2015. Collection method: clinical testing. Allele origin: germline.
Comment: This variant is classified as likely benign based on ACMG/AMP sequence variant interpretation guidelines (Richards et al. 2015 PMID: 25741868, with internal and published modifications).